The following is an entry in ClinVar:

ClinVar aggregate classification (germline): Uncertain significance (0 of 4 stars; one submission).

Submission:

Greenwood Genetic Center Diagnostic Laboratories, Greenwood Genetic Center
Classification: Uncertain significance. Last evaluated: 2021-02-15. Review status: no assertion criteria provided. Collection method: clinical testing. Allele origin: germline. Affected: yes.
Comment: Gene of uncertain clinical significance

NM_001105574.2(HMX3):c.137C>G (p.Pro46Arg)

Gene: HMX3 (H6 family homeobox 3; plus strand). Cytogenetic location: 10q26.13.
Variant type: single nucleotide variant.
Coding change: c.137C>G on transcript NM_001105574.2 (MANE Select); coding-DNA position 137, C replaced by G.
Protein change: p.Pro46Arg; replaces proline 46 with arginine.
Molecular consequence: missense variant.
Genome position (GRCh38, 1-based): chr10:123,136,187, C>G. VCF-style: chr10-123136187-C-G. GRCh37 (hg19) VCF-style: chr10-124895703-C-G.
Other names: short protein forms P46R.
Identifiers: ClinVar variation 1331581 (VCV001331581.4), dbSNP rs763081574, ClinGen allele CA378617608.
Genomic context (GRCh38, chr10:123,136,187, plus strand): 5'-CCAAGGAGTCCCCGTTCTCCATCAAGAACCTGCTCAACGGAGACCACCACCGGCCGCCCC[C>G]TAAGCCTCAGCCGCCCCCACGGACGCTCTTCGCGCCAGCCTCGGCTGCCGCCGCCGCCGC-3'
Protein context (NP_001099044.1, residues 36-56): LLNGDHHRPP[Pro46Arg]KPQPPPRTLF